The following is an entry in ClinVar:

NM_000245.4(MET):c.2364+3_2364+8delinsTCATG

Gene: MET (MET proto-oncogene, receptor tyrosine kinase; plus strand). Cytogenetic location: 7q31.2.
Variant type: Indel.
Coding change: c.2364+3_2364+8delinsTCATG on transcript NM_000245.4 (MANE Select); bases 3 to 8 of the intron after coding-DNA position 2364, AAGTCC replaced by TCATG.
Molecular consequence: intron variant.
Genome position (GRCh38, 1-based): chr7:116,759,493-116,759,498, AAGTCC replaced by TCATG. VCF-style: chr7-116759493-AAGTCC-TCATG. GRCh37 (hg19) VCF-style: chr7-116399547-AAGTCC-TCATG.
Other names: c.2418+3_2418+8delinsTCATG (NM_001127500.3); c.1074+3_1074+8delinsTCATG (NM_001324402.2); c.2364+3_2364+8delinsTCATG (NM_001324401.3).
Identifiers: ClinVar variation 4106805 (VCV004106805.1).

ClinVar aggregate classification (germline): Uncertain significance (1 of 4 stars; one submission).

Conditions:
Hereditary cancer-predisposing syndrome. Also called: Tumor predisposition; Neoplastic Syndromes, Hereditary; Hereditary neoplastic syndrome; Hereditary Cancer Syndrome. Identifiers: Orphanet 140162, MedGen C0027672, MeSH D009386, MONDO:0015356.

Submission:

Ambry Genetics
Classification: Uncertain significance for Hereditary cancer-predisposing syndrome. Last evaluated: 2025-08-28. Review status: criteria provided, single submitter. Criteria: Ambry Variant Classification Scheme 2023. Collection method: clinical testing. Allele origin: germline.
Comment: The c.2418+3_2418+8delAAGTCCinsTCATG intronic variant begins 3 nucleotides after coding exon 9 in the MET gene. This results from a deletion of 6 nucleotides and the insertion of 5 nucleotides at nucleotide positions c.2418+3 to c.2418+8. This nucleotide region is well conserved in available vertebrate species. In silico splice site analysis predicts that this alteration may weaken the native splice donor site. Based on the available evidence, the clinical significance of this variant remains unclear.